The following is an entry in ClinVar:

ClinVar aggregate classification (germline): Uncertain significance (1 of 4 stars; one submission).

gnomAD v4.1: 8 of 1,245,736 alleles (0.00064%); highest among the groups gnomAD compares: Admixed American, 0.0085%; no homozygotes.

Submission:

Labcorp Genetics (formerly Invitae), Labcorp
Classification: Uncertain significance. Last evaluated: 2024-03-13. Review status: criteria provided, single submitter. Criteria: Invitae Variant Classification Sherloc (09022015). Collection method: clinical testing. Allele origin: germline.
Comment: This sequence change replaces proline, which is neutral and non-polar, with glutamine, which is neutral and polar, at codon 83 of the GATA5 protein (p.Pro83Gln). This variant is present in population databases (no rsID available, gnomAD 0.1%). This variant has not been reported in the literature in individuals affected with GATA5-related conditions. Advanced modeling of protein sequence and biophysical properties (such as structural, functional, and spatial information, amino acid conservation, physicochemical variation, residue mobility, and thermodynamic stability) performed at Invitae indicates that this missense variant is not expected to disrupt GATA5 protein function with a negative predictive value of 80%. In summary, the available evidence is currently insufficient to determine the role of this variant in disease. Therefore, it has been classified as a Variant of Uncertain Significance.

NM_080473.5(GATA5):c.248C>A (p.Pro83Gln)

Gene: GATA5 (GATA binding protein 5; minus strand). Cytogenetic location: 20q13.33.
Variant type: single nucleotide variant.
Coding change: c.248C>A on transcript NM_080473.5 (MANE Select); coding-DNA position 248, C replaced by A.
Protein change: p.Pro83Gln; replaces proline 83 with glutamine.
Molecular consequence: missense variant.
Genome position (GRCh38, 1-based): chr20:62,475,274, G>T on the plus strand (C>A on the coding strand, the complement: GATA5 is on the minus strand). VCF-style: chr20-62475274-G-T. GRCh37 (hg19) VCF-style: chr20-61050330-G-T.
Other names: short protein forms P83Q.
Identifiers: ClinVar variation 3663580 (VCV003663580.2).